The following is an entry in ClinVar:

ClinVar aggregate classification (germline): Likely benign. Review status: criteria provided, multiple submitters, no conflicts (2 of 4 stars). 3 submissions from 3 submitters: Likely benign (3). Last evaluated 2025-06-14.

Conditions:
Intellectual developmental disorder, autosomal dominant 6, with or without seizures. Also called: GRIN2B-related developmental delay, intellectual disability and autism spectrum disorder; Intellectual disability, autosomal dominant 6. Identifiers: Orphanet 589547, MedGen C3151411, MONDO:0013509, OMIM 613970.
Developmental and epileptic encephalopathy, 27 (DEE27). Also called: Epileptic encephalopathy, early infantile, 27; GRIN2B-Related Neurodevelopmental Disorder. Identifiers: Orphanet 3451, MedGen C4015316, MONDO:0014505, OMIM 616139.

Allele frequency attached by ClinVar (database versions not stated): gnomAD 0.00004; TOPMed 0.00005; 1000 Genomes Project 0.00020; ExAC 0.00004; 1000 Genomes Project 30x 0.00016; gnomAD exomes 0.00002.
gnomAD v4.1: 34 of 1,613,968 alleles (0.0021%); highest among the groups gnomAD compares: South Asian, 0.0055%; no homozygotes.

Submissions (3):

Labcorp Genetics (formerly Invitae), Labcorp
Classification: Likely benign for Developmental and epileptic encephalopathy, 27; Intellectual developmental disorder, autosomal dominant 6, with or without seizures. Last evaluated: 2025-06-14. Review status: criteria provided, single submitter. Criteria: Invitae Variant Classification Sherloc (09022015). Collection method: clinical testing. Allele origin: germline.

CeGaT Center for Human Genetics Tuebingen
Classification: Likely benign. Last evaluated: 2022-03-01. Review status: criteria provided, single submitter. Criteria: CeGaT Center For Human Genetics Tuebingen Variant Classification Criteria Version 2. Collection method: clinical testing. Allele origin: germline. Affected: yes. Observed: 1 variant allele.
Comment: GRIN2B: BP4, BP7

GeneDx
Classification: Likely benign. Last evaluated: 2020-10-26. Review status: criteria provided, single submitter. Criteria: GeneDx Variant Classification Process June 2021. Collection method: clinical testing. Allele origin: germline. Affected: yes.

NM_000834.5(GRIN2B):c.630C>T (p.Asp210=)

Gene: GRIN2B (glutamate ionotropic receptor NMDA type subunit 2B; minus strand). Cytogenetic location: 12p13.1.
Variant type: single nucleotide variant.
Coding change: c.630C>T on transcript NM_000834.5 (MANE Select); coding-DNA position 630, C replaced by T.
Protein change: p.Asp210=; no amino-acid change (aspartic acid 210 retained).
Molecular consequence: synonymous variant.
Genome position (GRCh38, 1-based): chr12:13,753,697, G>A on the plus strand (C>T on the coding strand, the complement: GRIN2B is on the minus strand). VCF-style: chr12-13753697-G-A. GRCh37 (hg19) VCF-style: chr12-13906631-G-A.
Identifiers: ClinVar variation 385278 (VCV000385278.42), dbSNP rs202115787, ClinGen allele CA6461381.